The following is an entry in ClinVar:

NM_177438.3(DICER1):c.5220C>A (p.Val1740=)

Gene: DICER1 (dicer 1, ribonuclease III; minus strand). Cytogenetic location: 14q32.13.
Variant type: single nucleotide variant.
Coding change: c.5220C>A on transcript NM_177438.3 (MANE Select); coding-DNA position 5220, C replaced by A.
Protein change: p.Val1740=; no amino-acid change (valine 1740 retained).
Molecular consequence: synonymous variant.
Genome position (GRCh38, 1-based): chr14:95,094,032, G>T on the plus strand (C>A on the coding strand, the complement: DICER1 is on the minus strand). VCF-style: chr14-95094032-G-T. GRCh37 (hg19) VCF-style: chr14-95560369-G-T.
Other names: c.5220C>A, p.Val1740= (NM_001195573.1, NM_001271282.3, NM_001291628.2 and 1 more transcripts).
Identifiers: ClinVar variation 1161144 (VCV001161144.24), dbSNP rs2139813236, ClinGen allele CA487843876.

ClinVar aggregate classification (germline): Conflicting classifications of pathogenicity. Review status: criteria provided, conflicting classifications (1 of 4 stars). 2 submissions from 2 submitters: Uncertain significance (1); Likely benign (1). Last evaluated 2024-10-01.

Conditions:
DICER1-related tumor predisposition. Also called: DICER1-related pleuropulmonary blastoma cancer predisposition syndrome; DICER1 syndrome. Identifiers: Orphanet 284343, MedGen C3839822, MONDO:0100216.

Submissions (2):

CeGaT Center for Human Genetics Tuebingen
Classification: Uncertain significance. Last evaluated: 2024-10-01. Review status: criteria provided, single submitter. Criteria: CeGaT Center For Human Genetics Tuebingen Variant Classification Criteria Version 2. Collection method: clinical testing. Allele origin: germline. Affected: yes. Observed: 1 variant allele.
Comment: DICER1: PM2:Supporting, BP4

Labcorp Genetics (formerly Invitae), Labcorp
Classification: Likely benign for DICER1-related tumor predisposition. Last evaluated: 2021-02-05. Review status: criteria provided, single submitter. Criteria: Invitae Variant Classification Sherloc (09022015). Collection method: clinical testing. Allele origin: germline.